The following is an entry in ClinVar:

NM_001378615.1(CC2D2A):c.1120A>T (p.Lys374Ter)

Genes: CC2D2A (coiled-coil and C2 domain containing 2A; plus strand), FBXL5 (F-box and leucine rich repeat protein 5; minus strand). Cytogenetic location: 4p15.32.
Variant type: single nucleotide variant.
Coding change: c.1120A>T on transcript NM_001378615.1 (MANE Select); coding-DNA position 1120, A replaced by T.
Protein change: p.Lys374Ter; replaces lysine 374 with a stop codon.
Molecular consequence: nonsense.
Genome position (GRCh38, 1-based): chr4:15,516,727, A>T. VCF-style: chr4-15516727-A-T. GRCh37 (hg19) VCF-style: chr4-15518350-A-T.
Other names: c.1120A>T, p.Lys374Ter (NM_001080522.2); c.973A>T, p.Lys325Ter (NM_001378617.1); short protein forms K325*, K374*.
Identifiers: ClinVar variation 5013423 (VCV005013423.1).

ClinVar aggregate classification (germline): Pathogenic (1 of 4 stars; one submission).

Conditions:
Joubert syndrome and related disorders. Identifiers: Orphanet 140874, MedGen C5679612, MONDO:0015369.

Submission:

Myriad Genetics, Inc.
Classification: Pathogenic for Joubert syndrome and related disorders. Last evaluated: 2024-08-06. Review status: criteria provided, single submitter. Criteria: Myriad Autosomal Dominant, Autosomal Recessive and X-Linked Classification Criteria (2023). Collection method: clinical testing. Allele origin: unknown.
Comment: NM_001080522.2(CC2D2A):c.1120A>T(K374*) is expected to be pathogenic in the context of CC2D2A-related disorders. This variant is predicted to lead to an abnormal or absent protein product due to the creation of a premature termination codon in CC2D2A, a gene where loss-of-function variants are known to be pathogenic. Please note: this variant was assessed in the context of healthy population screening.